The following is an entry in ClinVar:

NM_000222.3(KIT):c.2521A>G (p.Ile841Val)

Gene: KIT (KIT proto-oncogene, receptor tyrosine kinase; plus strand). Cytogenetic location: 4q12.
Variant type: single nucleotide variant.
Coding change: c.2521A>G on transcript NM_000222.3 (MANE Select); coding-DNA position 2521, A replaced by G.
Protein change: p.Ile841Val; replaces isoleucine 841 with valine.
Molecular consequence: missense variant.
Genome position (GRCh38, 1-based): chr4:54,736,534, A>G. VCF-style: chr4-54736534-A-G. GRCh37 (hg19) VCF-style: chr4-55602700-A-G.
Other names: c.2509A>G, p.Ile837Val (NM_001093772.2, NM_001385292.1); c.2524A>G, p.Ile842Val (NM_001385284.1); c.2518A>G, p.Ile840Val (NM_001385285.1); c.2506A>G, p.Ile836Val (NM_001385286.1); c.2512A>G, p.Ile838Val (NM_001385288.1); c.2521A>G, p.Ile841Val (NM_001385290.1); short protein forms I836V, I841V, I837V, I840V, I838V, I842V.
Identifiers: ClinVar variation 3647998 (VCV003647998.3).

ClinVar aggregate classification (germline): Uncertain significance. Review status: criteria provided, multiple submitters, no conflicts (2 of 4 stars). 2 submissions from 2 submitters: Uncertain significance (2). Last evaluated 2025-03-27.

Conditions:
Hereditary cancer-predisposing syndrome. Also called: Neoplastic Syndromes, Hereditary; Tumor predisposition; Hereditary Cancer Syndrome; Hereditary neoplastic syndrome. Identifiers: Orphanet 140162, MedGen C0027672, MeSH D009386, MONDO:0015356.
Gastrointestinal stromal tumor. Also called: Gastrointestinal stromal tumor, somatic; Gastrointestinal stroma tumor. Identifiers: Orphanet 44890, MedGen C0238198, MeSH D046152, MONDO:0011719, OMIM 606764, HP:0100723.

Submissions (2):

Ambry Genetics
Classification: Uncertain significance for Hereditary cancer-predisposing syndrome. Last evaluated: 2025-03-27. Review status: criteria provided, single submitter. Criteria: Ambry Variant Classification Scheme 2023. Collection method: clinical testing. Allele origin: germline.
Comment: The p.I841V variant (also known as c.2521A>G), located in coding exon 18 of the KIT gene, results from an A to G substitution at nucleotide position 2521. The isoleucine at codon 841 is replaced by valine, an amino acid with highly similar properties. This amino acid position is highly conserved in available vertebrate species. In addition, the in silico prediction for this alteration is inconclusive. Based on the available evidence, the clinical significance of this variant remains unclear.

Labcorp Genetics (formerly Invitae), Labcorp
Classification: Uncertain significance for Gastrointestinal stromal tumor. Last evaluated: 2024-07-09. Review status: criteria provided, single submitter. Criteria: Invitae Variant Classification Sherloc (09022015). Collection method: clinical testing. Allele origin: germline.
Comment: This sequence change replaces isoleucine, which is neutral and non-polar, with valine, which is neutral and non-polar, at codon 841 of the KIT protein (p.Ile841Val). This variant is not present in population databases (gnomAD no frequency). This variant has not been reported in the literature in individuals affected with KIT-related conditions. An algorithm developed to predict the effect of missense changes on protein structure and function (PolyPhen-2) suggests that this variant is likely to be disruptive. In summary, the available evidence is currently insufficient to determine the role of this variant in disease. Therefore, it has been classified as a Variant of Uncertain Significance.